The following is an entry in ClinVar:

NM_004484.4(GPC3):c.634C>T (p.Pro212Ser)

Gene: GPC3 (glypican 3; minus strand). Cytogenetic location: Xq26.2.
Variant type: single nucleotide variant.
Coding change: c.634C>T on transcript NM_004484.4 (MANE Select); coding-DNA position 634, C replaced by T.
Protein change: p.Pro212Ser; replaces proline 212 with serine.
Molecular consequence: missense variant.
Genome position (GRCh38, 1-based): chrX:133,753,880, G>A on the plus strand (C>T on the coding strand, the complement: GPC3 is on the minus strand). VCF-style: chrX-133753880-G-A. GRCh37 (hg19) VCF-style: chrX-132887907-G-A.
Other names: c.634C>T, p.Pro212Ser (NM_001164617.2); c.586C>T, p.Pro196Ser (NM_001164618.2); c.472C>T, p.Pro158Ser (NM_001164619.2); short protein forms P158S, P196S, P212S.
Identifiers: ClinVar variation 2695521 (VCV002695521.3), dbSNP rs2521356275, ClinGen allele CA414706194.

ClinVar aggregate classification (germline): Uncertain significance (1 of 4 stars; one submission).

Conditions:
Wilms tumor 1 (WT1). Also called: Wilms tumor, somatic. Identifiers: Orphanet 654, MedGen CN033288, MONDO:0008679, OMIM 194070.

Submission:

Labcorp Genetics (formerly Invitae), Labcorp
Classification: Uncertain significance for Wilms tumor 1. Last evaluated: 2022-12-12. Review status: criteria provided, single submitter. Criteria: Invitae Variant Classification Sherloc (09022015). Collection method: clinical testing. Allele origin: germline.
Comment: This sequence change replaces proline, which is neutral and non-polar, with serine, which is neutral and polar, at codon 212 of the GPC3 protein (p.Pro212Ser). This variant is not present in population databases (gnomAD no frequency). This variant has not been reported in the literature in individuals affected with GPC3-related conditions. Algorithms developed to predict the effect of missense changes on protein structure and function (SIFT, PolyPhen-2, Align-GVGD) all suggest that this variant is likely to be disruptive. In summary, the available evidence is currently insufficient to determine the role of this variant in disease. Therefore, it has been classified as a Variant of Uncertain Significance.